The following is an entry in ClinVar:

NM_052859.4(RFT1):c.1133A>G (p.Tyr378Cys)

Gene: RFT1 (RFT1 glycolipid translocator homolog; minus strand). Cytogenetic location: 3p21.1.
Variant type: single nucleotide variant.
Coding change: c.1133A>G on transcript NM_052859.4 (MANE Select); coding-DNA position 1133, A replaced by G.
Protein change: p.Tyr378Cys; replaces tyrosine 378 with cysteine.
Molecular consequence: missense variant.
Genome position (GRCh38, 1-based): chr3:53,099,456, T>C on the plus strand (A>G on the coding strand, the complement: RFT1 is on the minus strand). VCF-style: chr3-53099456-T-C. GRCh37 (hg19) VCF-style: chr3-53133472-T-C.
Other names: short protein forms Y378C.
Identifiers: ClinVar variation 218826 (VCV000218826.16), dbSNP rs143232904, ClinGen allele CA249029.
Genomic context (GRCh38, chr3:53,099,456, plus strand): 5'-TTGCTCATGGCAGCAAATGTGAAACACTCTGTCACTCCATTGATGGCAAGCAGGAGAACA[T>C]AGAGACAGTAGGAACGCAGCAAAACAGGACCTACAAGGAAACAACTCACTGAGACTCCAG-3'
Protein context (NP_443091.1, residues 368-388): GPVLLRSYCL[Tyr378Cys]VLLLAINGVT

ClinVar aggregate classification (germline): Uncertain significance. Review status: criteria provided, multiple submitters, no conflicts (2 of 4 stars). 7 submissions from 7 submitters: Uncertain significance (7). Last evaluated 2026-02-27.

Conditions:
RFT1-congenital disorder of glycosylation (CDG1N). Also called: Congenital disorder of glycosylation type In; RFT1-CDG; CDG In. Identifiers: Orphanet 244310, MedGen C2677590, MONDO:0012783, OMIM 612015.
Inborn genetic diseases. Identifiers: MedGen C0950123, MeSH D030342.

Allele frequency attached by ClinVar (database versions not stated): ExAC 0.00051; gnomAD exomes 0.00051 and 0.00058; 1000 Genomes Project 0.00060; TOPMed 0.00042; ESP Exome Variant Server 0.00046; gnomAD 0.00046 and 0.00050; 1000 Genomes Project 30x 0.00047.
gnomAD v4.1: 915 of 1,613,740 alleles (0.057%); highest among the groups gnomAD compares: East Asian, 0.49%; no homozygotes.

Submissions (7):

Ambry Genetics
Classification: Uncertain significance for Inborn genetic diseases. Last evaluated: 2026-02-27. Review status: criteria provided, single submitter. Criteria: Ambry Variant Classification Scheme 2023. Collection method: clinical testing. Allele origin: germline.
Comment: The c.1133A>G (p.Y378C) alteration is located in exon 11 (coding exon 11) of the RFT1 gene. This alteration results from a A to G substitution at nucleotide position 1133, causing the tyrosine (Y) at amino acid position 378 to be replaced by a cysteine (C). Based on data from gnomAD, the G allele has an overall frequency of 0.051% (143/282780) total alleles studied. The highest observed frequency was 0.066% (85/129116) of European (non-Finnish) alleles. Based on insufficient or conflicting evidence, the clinical significance of this alteration remains unclear.

Blueprint Genetics
Classification: Uncertain significance. Last evaluated: 2024-11-21. Review status: criteria provided, single submitter. Criteria: ACMG Guidelines, 2015. Collection method: clinical testing. Allele origin: germline.

Fulgent Genetics
Classification: Uncertain significance for RFT1-congenital disorder of glycosylation. Last evaluated: 2024-03-06. Review status: criteria provided, single submitter. Criteria: ACMG Guidelines, 2015. Collection method: clinical testing. Allele origin: germline.

Labcorp Genetics (formerly Invitae), Labcorp
Classification: Uncertain significance for RFT1-congenital disorder of glycosylation. Last evaluated: 2024-01-24. Review status: criteria provided, single submitter. Criteria: Invitae Variant Classification Sherloc (09022015). Collection method: clinical testing. Allele origin: germline.
Comment: This sequence change replaces tyrosine, which is neutral and polar, with cysteine, which is neutral and slightly polar, at codon 378 of the RFT1 protein (p.Tyr378Cys). This variant is present in population databases (rs143232904, gnomAD 0.07%), and has an allele count higher than expected for a pathogenic variant. This missense change has been observed in individual(s) with autism spectrum disorder (PMID: 33023636). ClinVar contains an entry for this variant (Variation ID: 218826). Advanced modeling of protein sequence and biophysical properties (such as structural, functional, and spatial information, amino acid conservation, physicochemical variation, residue mobility, and thermodynamic stability) performed at Invitae indicates that this missense variant is expected to disrupt RFT1 protein function with a positive predictive value of 80%. In summary, the available evidence is currently insufficient to determine the role of this variant in disease. Therefore, it has been classified as a Variant of Uncertain Significance.

Department of Pathology and Laboratory Medicine, Sinai Health System
Classification: Uncertain significance for RFT1-congenital disorder of glycosylation. Last evaluated: 2021-12-06. Review status: criteria provided, single submitter. Criteria: ACMG Guidelines, 2015. Collection method: research. Allele origin: germline.

Illumina Laboratory Services, Illumina
Classification: Uncertain significance for RFT1-congenital disorder of glycosylation. Last evaluated: 2018-01-13. Review status: criteria provided, single submitter. Criteria: ICSL Variant Classification Criteria 13 December 2019. Collection method: clinical testing. Allele origin: germline.

Genomic Diagnostic Laboratory, Division of Genomic Diagnostics, Children's Hospital of Philadelphia
Classification: Uncertain significance. Last evaluated: 2015-06-17. Review status: criteria provided, single submitter. Criteria: DGD Variant Analysis Guidelines. Collection method: clinical testing. Allele origin: unknown.

Literature cited by the submitters: PubMed 33023636 (cited by Labcorp Genetics (formerly Invitae), Labcorp).